The following is an entry in ClinVar:

NM_000543.5(SMPD1):c.7del (p.Arg3fs)

Genes: SMPD1 (sphingomyelin phosphodiesterase 1; plus strand), LOC130005193 (ATAC-STARR-seq lymphoblastoid silent region 3099; plus strand). Cytogenetic location: 11p15.4.
Variant type: Deletion.
Coding change: c.7del on transcript NM_000543.5 (MANE Select); coding-DNA position 7, one base deleted (C; older notation c.7delC).
Protein change: p.Arg3fs; shifts the reading frame from arginine 3.
Molecular consequence: frameshift variant. On other transcripts: 5 prime UTR variant (1), non-coding transcript variant (2).
Genome position (GRCh38, 1-based): chr11:6,390,605, C deleted; the last of 4 consecutive C bases (chr11:6,390,602-6,390,605); deleting any one gives the same sequence. VCF-style (leftmost placement, unchanged base first): chr11-6390601-GC-G. GRCh37 (hg19) VCF-style: chr11-6411831-GC-G.
Other names: c.7del, p.Arg3fs (NM_001007593.3, NM_001318087.2, NM_001365135.2); c.-955del (NM_001318088.2); c.7delC (NM_000543.5); short protein forms R3fs.
Identifiers: ClinVar variation 553962 (VCV000553962.12), dbSNP rs281860663, ClinGen allele CA217298919.

ClinVar aggregate classification (germline): Pathogenic. Review status: criteria provided, multiple submitters, no conflicts (2 of 4 stars). 4 submissions from 4 submitters: Pathogenic (3). 1 of the submissions does not count toward it. Last evaluated 2026-01-22.

Conditions:
Sphingomyelin/cholesterol lipidosis. Also called: Niemann-Pick disease. Identifiers: MedGen C0028064, MONDO:0001982.
Niemann-Pick disease, type A. Also called: SPHINGOMYELIN LIPIDOSIS; SPHINGOMYELINASE DEFICIENCY; Infantile Neurovisceral ASMD (Niemann-Pick Disease Type A; NPD-A). Identifiers: Orphanet 77292, MedGen C0268242, MONDO:0009756, OMIM 257200. Disease mechanism: loss of function.
Niemann-Pick disease, type B. Also called: Chronic Visceral ASMD (Niemann-Pick Disease Type B; NPD-B). Identifiers: Orphanet 77293, MedGen C0268243, MONDO:0011871, OMIM 607616. Disease mechanism: loss of function.

Submissions (4):

Labcorp Genetics (formerly Invitae), Labcorp
Classification: Pathogenic for Niemann-Pick disease, type B; Niemann-Pick disease, type A. Last evaluated: 2026-01-22. Review status: criteria provided, single submitter. Criteria: Invitae Variant Classification Sherloc (09022015). Collection method: clinical testing. Allele origin: germline.
Comment: This sequence change creates a premature translational stop signal (p.Arg3Alafs*74) in the SMPD1 gene. It is expected to result in an absent or disrupted protein product. Loss-of-function variants in SMPD1 are known to be pathogenic (PMID: 12369017, 15221801). This variant is not present in population databases (gnomAD no frequency). This premature translational stop signal has been observed in individual(s) with Niemann-Pick disease (PMID: 23356216). This variant is also known as c.4del. ClinVar contains an entry for this variant (Variation ID: 553962). For these reasons, this variant has been classified as Pathogenic.

Women's Health and Genetics/Laboratory Corporation of America, LabCorp
Classification: Pathogenic for Sphingomyelin/cholesterol lipidosis. Last evaluated: 2025-09-30. Review status: criteria provided, single submitter. Criteria: LabCorp Variant Classification Summary - May 2015. Collection method: clinical testing. Allele origin: germline.
Comment: Variant summary: SMPD1 c.7delC (p.Arg3AlafsX74) results in a premature termination codon, predicted to cause a truncation of the encoded protein or absence of the protein due to nonsense mediated decay, which are commonly known mechanisms for disease. The variant was absent in 241916 control chromosomes. c.7delC has been observed as homozygous or compound heterozygous genotype in multiple individuals affected with Niemann-Pick Disease (Zhang_2013). These data indicate that the variant is very likely to be associated with disease. To our knowledge, no experimental evidence demonstrating an impact on protein function has been reported. The following publications have been ascertained in the context of this evaluation (PMID: 33675270, 36907956, 23356216). ClinVar contains an entry for this variant (Variation ID: 553962). Based on the evidence outlined above, the variant was classified as pathogenic.

Baylor Genetics
Classification: Pathogenic for Niemann-Pick disease, type A. Last evaluated: 2024-01-16. Review status: criteria provided, single submitter. Criteria: ACMG Guidelines, 2015. Collection method: clinical testing. Allele origin: unknown.

Counsyl
Classification: Pathogenic for Niemann-Pick disease, type A. Last evaluated: 2017-10-06. Review status: no assertion criteria provided. Collection method: clinical testing. Allele origin: unknown. Not counted in ClinVar's aggregate classification.

Literature cited by the submitters: PubMed 12369017 (cited by Labcorp Genetics (formerly Invitae), Labcorp); PubMed 15221801 (cited by Labcorp Genetics (formerly Invitae), Labcorp); PubMed 23356216 (cited by 3 submitters); PubMed 33675270 (cited by Women's Health and Genetics/Laboratory Corporation of America, LabCorp); PubMed 36907956 (cited by Women's Health and Genetics/Laboratory Corporation of America, LabCorp).